The following is an entry in ClinVar:

ClinVar aggregate classification (germline): Likely pathogenic. Review status: criteria provided, multiple submitters, no conflicts (2 of 4 stars). 4 submissions from 4 submitters: Likely pathogenic (4). Last evaluated 2025-10-01.

Conditions:
DICER1-related tumor predisposition. Also called: DICER1-related pleuropulmonary blastoma cancer predisposition syndrome; DICER1 syndrome. Identifiers: Orphanet 284343, MedGen C3839822, MONDO:0100216.
Hereditary cancer-predisposing syndrome. Also called: Neoplastic Syndromes, Hereditary; Tumor predisposition; Hereditary neoplastic syndrome; Hereditary Cancer Syndrome. Identifiers: Orphanet 140162, MedGen C0027672, MeSH D009386, MONDO:0015356.

Submissions (4):

Ambry Genetics
Classification: Likely pathogenic for Hereditary cancer-predisposing syndrome. Last evaluated: 2025-10-01. Review status: criteria provided, single submitter. Criteria: Ambry Variant Classification Scheme 2023. Collection method: clinical testing. Allele origin: germline.
Comment: The c.2436+1G>T intronic variant results from a G to T substitution one nucleotide after coding exon 14 of the DICER1 gene. This nucleotide position is highly conserved in available vertebrate species. In silico splice site analysis predicts that this alteration will weaken the native splice donor site and will result in the creation or strengthening of a novel splice donor site. RNA studies have demonstrated that this alteration results in abnormal splicing in the set of samples tested (Ambry internal data). This variant is considered to be rare based on population cohorts in the Genome Aggregation Database (gnomAD). Alterations that disrupt the canonical splice site are expected to cause aberrant splicing, resulting in an abnormal protein or a transcript that is subject to nonsense-mediated mRNA decay. As such, this alteration is classified as likely pathogenic.

Labcorp Genetics (formerly Invitae), Labcorp
Classification: Likely pathogenic for DICER1-related tumor predisposition. Last evaluated: 2024-07-22. Review status: criteria provided, single submitter. Criteria: Invitae Variant Classification Sherloc (09022015). Collection method: clinical testing. Allele origin: germline.
Comment: This sequence change affects a donor splice site in intron 15 of the DICER1 gene. It is expected to disrupt RNA splicing. Variants that disrupt the donor or acceptor splice site typically lead to a loss of protein function (PMID: 16199547), and loss-of-function variants in DICER1 are known to be pathogenic (PMID: 19556464, 21266384). This variant is not present in population databases (gnomAD no frequency). This variant has not been reported in the literature in individuals affected with DICER1-related conditions. ClinVar contains an entry for this variant (Variation ID: 690443). Algorithms developed to predict the effect of sequence changes on RNA splicing suggest that this variant may disrupt the consensus splice site. In summary, the currently available evidence indicates that the variant is pathogenic, but additional data are needed to prove that conclusively. Therefore, this variant has been classified as Likely Pathogenic.

GeneDx
Classification: Likely pathogenic. Last evaluated: 2019-05-31. Review status: criteria provided, single submitter. Criteria: GeneDx Variant Classification Process June 2021. Collection method: clinical testing. Allele origin: germline. Affected: yes.
Comment: Not observed in large population cohorts (Lek et al., 2016); Canonical splice site variant predicted to result in an in-frame deletion/insertion of exon(s) 15.; Has not been previously published as pathogenic or benign to our knowledge

PreventionGenetics, part of Exact Sciences
Classification: Likely pathogenic. Last evaluated: 2015-12-11. Review status: criteria provided, single submitter. Criteria: ACMG Guidelines, 2015. Collection method: clinical testing. Allele origin: germline.

Literature cited by the submitters: PubMed 16199547 (cited by Labcorp Genetics (formerly Invitae), Labcorp); PubMed 19556464 (cited by Labcorp Genetics (formerly Invitae), Labcorp); PubMed 21266384 (cited by Labcorp Genetics (formerly Invitae), Labcorp).

NM_177438.3(DICER1):c.2436+1G>T

Gene: DICER1 (dicer 1, ribonuclease III; minus strand). Cytogenetic location: 14q32.13.
Variant type: single nucleotide variant.
Coding change: c.2436+1G>T on transcript NM_177438.3 (MANE Select); the canonical splice donor site of the intron after coding-DNA position 2436, G replaced by T.
Molecular consequence: splice donor variant.
Genome position (GRCh38, 1-based): chr14:95,108,323, C>A on the plus strand (G>T on the coding strand, the complement: DICER1 is on the minus strand). VCF-style: chr14-95108323-C-A. GRCh37 (hg19) VCF-style: chr14-95574660-C-A.
Other names: c.2436+1G>T (NM_001291628.2, NM_030621.4, NM_001395677.1 and 12 more transcripts); c.2031+1G>T (NM_001395690.1, NM_001395687.1, NM_001395689.1 and 2 more transcripts); c.2154+1G>T (NM_001395686.1); c.1869+1G>T (NM_001395691.1); c.753+1G>T (NM_001395697.1).
Identifiers: ClinVar variation 690443 (VCV000690443.13), dbSNP rs1595381795, ClinGen allele CA390882043.
Genomic context (GRCh38, chr14:95,108,323, plus strand): 5'-TTTTTTTTCCTTTTCCTAAGCAAGACGTTTTTGACATAAGTACTCATTATGAAATACCTA[C>A]CTGAGGTATGGGTTTGGCCGTCAGTATTCCAAAGCATCTTGTGGTATCTTCAGGAGGATA-3'